The following is an entry in ClinVar:

ClinVar aggregate classification (germline): Uncertain significance. Review status: criteria provided, multiple submitters, no conflicts (2 of 4 stars). 2 submissions from 2 submitters: Uncertain significance (2). Last evaluated 2022-07-27.

Conditions:
Deficiency of alpha-mannosidase (MANSA). Also called: LYSOSOMAL ALPHA-D-MANNOSIDASE DEFICIENCY; Alpha-Mannosidosis; Mannosidosis, alpha-, types I and II. Identifiers: Orphanet 61, MedGen C0024748, MONDO:0009561, OMIM 248500.
Inborn genetic diseases. Identifiers: MedGen C0950123, MeSH D030342.

Allele frequency attached by ClinVar (database versions not stated): ExAC 0.00001; gnomAD exomes 0.00001; TOPMed 0.00001.
gnomAD v4.1: 14 of 1,604,546 alleles (0.00087%); highest among the groups gnomAD compares: Non-Finnish European, 0.0012%; no homozygotes.

Submissions (2):

Labcorp Genetics (formerly Invitae), Labcorp
Classification: Uncertain significance for Deficiency of alpha-mannosidase. Last evaluated: 2022-07-27. Review status: criteria provided, single submitter. Criteria: Invitae Variant Classification Sherloc (09022015). Collection method: clinical testing. Allele origin: germline.
Comment: This sequence change replaces threonine, which is neutral and polar, with alanine, which is neutral and non-polar, at codon 683 of the MAN2B1 protein (p.Thr683Ala). This variant is present in population databases (rs746776449, gnomAD 0.003%). This variant has not been reported in the literature in individuals affected with MAN2B1-related conditions. Algorithms developed to predict the effect of missense changes on protein structure and function output the following: SIFT: "Tolerated"; PolyPhen-2: "Benign"; Align-GVGD: "Class C0". The alanine amino acid residue is found in multiple mammalian species, which suggests that this missense change does not adversely affect protein function. In summary, the available evidence is currently insufficient to determine the role of this variant in disease. Therefore, it has been classified as a Variant of Uncertain Significance.

Ambry Genetics
Classification: Uncertain significance for Inborn genetic diseases. Last evaluated: 2021-07-13. Review status: criteria provided, single submitter. Criteria: Ambry Variant Classification Scheme 2023. Collection method: clinical testing. Allele origin: germline.

NM_000528.4(MAN2B1):c.2047A>G (p.Thr683Ala)

Gene: MAN2B1 (mannosidase alpha class 2B member 1; minus strand). Cytogenetic location: 19p13.13.
Variant type: single nucleotide variant.
Coding change: c.2047A>G on transcript NM_000528.4 (MANE Select); coding-DNA position 2047, A replaced by G.
Protein change: p.Thr683Ala; replaces threonine 683 with alanine.
Molecular consequence: missense variant.
Genome position (GRCh38, 1-based): chr19:12,650,222, T>C on the plus strand (A>G on the coding strand, the complement: MAN2B1 is on the minus strand). VCF-style: chr19-12650222-T-C. GRCh37 (hg19) VCF-style: chr19-12761036-T-C.
Other names: c.2047A>G (NM_000528.3); c.2044A>G, p.Thr682Ala (NM_001173498.2); short protein forms T682A, T683A.
Identifiers: ClinVar variation 2147481 (VCV002147481.2), dbSNP rs746776449, ClinGen allele CA9226209.
Genomic context (GRCh38, chr19:12,650,222, plus strand): 5'-GGCGAACCACCTGGGAACACCAAGCTGAGAAGTTCTGGTGCACCTCCTGCACCAAGGGTG[T>C]CTGCGGGCACACGGGTGAGGTGGATGTCAGTCTGTACCTGAGCAGAGGTGAGTCCTACAA-3'
Protein context (NP_000519.2, residues 673-693): SRWAQIHLVK[Thr683Ala]PLVQEVHQNF